The following is an entry in ClinVar:

NM_170606.3(KMT2C):c.14720G>A (p.Arg4907Gln)

Gene: KMT2C (lysine methyltransferase 2C; minus strand). Cytogenetic location: 7q36.1.
Variant type: single nucleotide variant.
Coding change: c.14720G>A on transcript NM_170606.3 (MANE Select); coding-DNA position 14720, G replaced by A.
Protein change: p.Arg4907Gln; replaces arginine 4907 with glutamine.
Molecular consequence: missense variant.
Genome position (GRCh38, 1-based): chr7:152,136,848, C>T on the plus strand (G>A on the coding strand, the complement: KMT2C is on the minus strand). VCF-style: chr7-152136848-C-T. GRCh37 (hg19) VCF-style: chr7-151833933-C-T.
Other names: short protein forms R4907Q.
Identifiers: ClinVar variation 3907398 (VCV003907398.1).

ClinVar aggregate classification (germline): Uncertain significance (1 of 4 stars; one submission).

gnomAD v4.1: 2 of 1,613,354 alleles (0.00012%); highest among the groups gnomAD compares: Non-Finnish European, 0.000085%; no homozygotes.

Submission:

Women's Health and Genetics/Laboratory Corporation of America, LabCorp
Classification: Uncertain significance. Last evaluated: 2025-06-04. Review status: criteria provided, single submitter. Criteria: LabCorp Variant Classification Summary - May 2015. Collection method: clinical testing. Allele origin: germline.
Comment: Variant summary: KMT2C c.14720G>A (p.Arg4907Gln) results in a conservative amino acid change in the encoded protein sequence. Algorithms developed to predict the effect of missense changes on protein structure and function are either unavailable or do not agree on the potential impact of this missense change. The variant was absent in 250574 control chromosomes (gnomAD). The available data on variant occurrences in the general population are insufficient to allow any conclusion about variant significance. To our knowledge, no occurrence of c.14720G>A in individuals affected with Kleefstra Syndrome 2 and no experimental evidence demonstrating its impact on protein function have been reported. No submitters have cited clinical-significance assessments for this variant to ClinVar. Based on the evidence outlined above, the variant was classified as uncertain significance.